The following is an entry in ClinVar:

NM_012471.3(TRPC5):c.1339C>T (p.Leu447=)

Gene: TRPC5 (transient receptor potential cation channel subfamily C member 5; minus strand). Cytogenetic location: Xq23.
Variant type: single nucleotide variant.
Coding change: c.1339C>T on transcript NM_012471.3 (MANE Select); coding-DNA position 1339, C replaced by T.
Protein change: p.Leu447=; no amino-acid change (leucine 447 retained).
Molecular consequence: synonymous variant.
Genome position (GRCh38, 1-based): chrX:111,852,336, G>A on the plus strand (C>T on the coding strand, the complement: TRPC5 is on the minus strand). VCF-style: chrX-111852336-G-A. GRCh37 (hg19) VCF-style: chrX-111095564-G-A.
Identifiers: ClinVar variation 2661217 (VCV002661217.25), dbSNP rs371783296, ClinGen allele CA10494318.

ClinVar aggregate classification (germline): Likely benign. Review status: criteria provided, single submitter (1 of 4 stars). 2 submissions from 2 submitters: Likely benign (1). 1 of the submissions does not count toward it. Last evaluated 2023-02-01.

Conditions:
TRPC5-related disorder. Also called: TRPC5-related condition.

Allele frequency attached by ClinVar (database versions not stated): ExAC 0.00008; ESP Exome Variant Server 0.00009; TOPMed 0.00011; gnomAD 0.00016; gnomAD exomes 0.00018.
gnomAD v4.1: 219 of 1,208,324 alleles (0.018%); highest among the groups gnomAD compares: Non-Finnish European, 0.023%; no homozygotes.

Submissions (2):

CeGaT Center for Human Genetics Tuebingen
Classification: Likely benign. Last evaluated: 2023-02-01. Review status: criteria provided, single submitter. Criteria: CeGaT Center For Human Genetics Tuebingen Variant Classification Criteria Version 2. Collection method: clinical testing. Allele origin: germline. Affected: yes. Observed: 1 variant allele.
Comment: TRPC5: BP4, BP7, BS2

PreventionGenetics, part of Exact Sciences
Classification: Likely benign for TRPC5-related condition. Last evaluated: 2019-02-21. Review status: no assertion criteria provided. Collection method: clinical testing. Allele origin: germline. Not counted in ClinVar's aggregate classification.
Comment: This variant is classified as likely benign based on ACMG/AMP sequence variant interpretation guidelines (Richards et al. 2015 PMID: 25741868, with internal and published modifications).